The following is an entry in ClinVar:

NM_001144997.2(ITGA7):c.38C>T (p.Thr13Ile)

Gene: ITGA7 (integrin subunit alpha 7; minus strand). Cytogenetic location: 12q13.2.
Variant type: single nucleotide variant.
Coding change: c.38C>T on transcript NM_001144997.2; coding-DNA position 38, C replaced by T.
Protein change: p.Thr13Ile; replaces threonine 13 with isoleucine.
Molecular consequence: missense variant. On other transcripts: 5 prime UTR variant (2).
Genome position (GRCh38, 1-based): chr12:55,712,110, G>A on the plus strand (C>T on the coding strand, the complement: ITGA7 is on the minus strand). VCF-style: chr12-55712110-G-A. GRCh37 (hg19) VCF-style: chr12-56105894-G-A.
Other names: c.-181C>T (NM_001367993.1, NM_001414035.1); short protein forms T13I.
Identifiers: ClinVar variation 586038 (VCV000586038.23), dbSNP rs11171663, ClinGen allele CA6616495.
Genomic context (GRCh38, chr12:55,712,110, plus strand): 5'-TTACTTCACTCACCTCTCCAGCACTGGAATCCTTCTGCCTGCCTCTGAATTCTGGTTGTA[G>A]TCAAAGCTTGAACCATGGGAGTGGCTGGGAGGAAAAGAACATAAATGTGATTGAGGGAAT-3'

ClinVar aggregate classification (germline): Benign/Likely benign. Review status: criteria provided, multiple submitters, no conflicts (2 of 4 stars). 6 submissions from 6 submitters: Benign (2); Likely benign (2). 2 of the submissions do not count toward it. Last evaluated 2026-05-01.

Allele frequency attached by ClinVar (database versions not stated): TOPMed 0.00858; 1000 Genomes Project 30x 0.00281; gnomAD exomes 0.01236 and 0.00861; 1000 Genomes Project 0.00220; ExAC 0.00711; ESP Exome Variant Server 0.00745; gnomAD 0.00924 and 0.00943.
gnomAD v4.1: 18,611 of 1,551,446 alleles (1.2%); highest among the groups gnomAD compares: Non-Finnish European, 1.4%; 153 homozygotes.

Submissions (6):

CeGaT Center for Human Genetics Tuebingen
Classification: Benign. Last evaluated: 2026-05-01. Review status: criteria provided, single submitter. Criteria: CeGaT Center For Human Genetics Tuebingen Variant Classification Criteria Version 2. Collection method: clinical testing. Allele origin: germline. Affected: yes. Observed: 13 variant alleles.
Comment: ITGA7: BP4, BS1, BS2

Athena Diagnostics
Classification: Benign. Last evaluated: 2024-06-10. Review status: criteria provided, single submitter. Criteria: Athena Diagnostics Criteria. Collection method: clinical testing. Allele origin: unknown.

GeneDx
Classification: Likely benign. Last evaluated: 2018-07-28. Review status: criteria provided, single submitter. Criteria: GeneDx Variant Classification Process June 2021. Collection method: clinical testing. Allele origin: germline. Affected: yes.

Breakthrough Genomics
Classification: Likely benign. Review status: criteria provided, single submitter. Criteria: ACMG Guidelines, 2015. Collection method: not provided. Allele origin: germline. Inheritance: Autosomal recessive inheritance. Affected: yes.

Genome Diagnostics Laboratory, University Medical Center Utrecht
Classification: Benign. Review status: no assertion criteria provided. Collection method: clinical testing. Allele origin: germline. Affected: yes. Study: VKGL Data-share Consensus. Not counted in ClinVar's aggregate classification.

Laboratory of Diagnostic Genome Analysis, Leiden University Medical Center (LUMC)
Classification: Likely benign. Review status: no assertion criteria provided. Collection method: clinical testing. Allele origin: germline. Affected: yes. Study: VKGL Data-share Consensus. Not counted in ClinVar's aggregate classification.

Literature cited by the submitters: PubMed 29970176 (cited by Athena Diagnostics); PubMed 33652732 (cited by Athena Diagnostics); PubMed 30863429 (cited by Athena Diagnostics).